The following is an entry in ClinVar:

ClinVar aggregate classification (germline): Benign/Likely benign. Review status: criteria provided, multiple submitters, no conflicts (2 of 4 stars). 18 submissions from 11 submitters: Benign (8); Likely benign (7). 3 of the submissions do not count toward it. Last evaluated 2026-01-26.

Conditions:
Autosomal recessive limb-girdle muscular dystrophy type 2J (LGMDR10). Also called: Limb-girdle muscular dystrophy, type 2J; MUSCULAR DYSTROPHY, LIMB-GIRDLE, AUTOSOMAL RECESSIVE 10. Identifiers: Orphanet 140922, MedGen C1837342, MONDO:0012127, OMIM 608807.
Dilated cardiomyopathy 1G (CMD1G). Identifiers: Orphanet 154, MedGen C1858763, MONDO:0011400, OMIM 604145.
Early-onset myopathy with fatal cardiomyopathy (CMYO5). Also called: Salih Myopathy; CONGENITAL MYOPATHY 5 WITH CARDIOMYOPATHY. Identifiers: Orphanet 289377, MedGen C2673677, MONDO:0012714, OMIM 611705. Disease mechanism: loss of function.
Myopathy, myofibrillar, 9, with early respiratory failure (MFM9). Also called: EDSTROM MYOPATHY; MYOPATHY, PROXIMAL, WITH EARLY RESPIRATORY MUSCLE INVOLVEMENT; Hereditary myopathy with early respiratory failure; Myopathy, distal, with early respiratory failure, autosomal dominant. Identifiers: Orphanet 178464, Orphanet 34521, MedGen C1863599, MONDO:0011362, OMIM 603689.
Tibial muscular dystrophy (TMD). Also called: Udd Distal Myopathy – Tibial Muscular Dystrophy; UDD MYOPATHY; Tibial muscular dystrophy, tardive. Identifiers: Orphanet 609, MedGen C1838244, MONDO:0010870, OMIM 600334.

Allele frequency attached by ClinVar (database versions not stated): gnomAD exomes 0.00122 and 0.00066; ExAC 0.00228; 1000 Genomes Project 30x 0.00328; 1000 Genomes Project 0.00339; gnomAD below 0.00001 and 0.00036; TOPMed 0.00002.
gnomAD v4.1: 1,006 of 1,603,332 alleles (0.063%); highest among the groups gnomAD compares: South Asian, 1%; 11 homozygotes.

Submissions (18):

Labcorp Genetics (formerly Invitae), Labcorp
Classification: Benign for Dilated cardiomyopathy 1G; Autosomal recessive limb-girdle muscular dystrophy type 2J. Last evaluated: 2026-01-26. Review status: criteria provided, single submitter. Criteria: Invitae Variant Classification Sherloc (09022015). Collection method: clinical testing. Allele origin: germline.

Blueprint Genetics
Classification: Likely benign. Last evaluated: 2024-11-21. Review status: criteria provided, single submitter. Criteria: ACMG Guidelines, 2015. Collection method: clinical testing. Allele origin: germline.

Women's Health and Genetics/Laboratory Corporation of America, LabCorp
Classification: Benign. Last evaluated: 2023-08-19. Review status: criteria provided, single submitter. Criteria: LabCorp Variant Classification Summary - May 2015. Collection method: clinical testing. Allele origin: germline.

Genome-Nilou Lab
Classification: Benign for Autosomal recessive limb-girdle muscular dystrophy type 2J. Last evaluated: 2021-09-10. Review status: criteria provided, single submitter. Criteria: ACMG Guidelines, 2015. Collection method: clinical testing. Allele origin: germline. Affected: no.

Genome-Nilou Lab
Classification: Benign for Myopathy, myofibrillar, 9, with early respiratory failure. Last evaluated: 2021-09-10. Review status: criteria provided, single submitter. Criteria: ACMG Guidelines, 2015. Collection method: clinical testing. Allele origin: germline. Affected: no.

Genome-Nilou Lab
Classification: Benign for Early-onset myopathy with fatal cardiomyopathy. Last evaluated: 2021-09-10. Review status: criteria provided, single submitter. Criteria: ACMG Guidelines, 2015. Collection method: clinical testing. Allele origin: germline. Affected: no.

Genome-Nilou Lab
Classification: Benign for Tibial muscular dystrophy. Last evaluated: 2021-09-10. Review status: criteria provided, single submitter. Criteria: ACMG Guidelines, 2015. Collection method: clinical testing. Allele origin: germline. Affected: no.

Illumina Laboratory Services, Illumina
Classification: Likely benign for Dilated cardiomyopathy 1G. Last evaluated: 2018-01-13. Review status: criteria provided, single submitter. Criteria: ICSL Variant Classification Criteria 13 December 2019. Collection method: clinical testing. Allele origin: germline.
Comment: This variant was observed in the ICSL laboratory as part of a predisposition screen in an ostensibly healthy population. It had not been previously curated by ICSL or reported in the Human Gene Mutation Database (HGMD: prior to June 1st, 2018), and was therefore a candidate for classification through an automated scoring system. Utilizing variant allele frequency, disease prevalence and penetrance estimates, and inheritance mode, an automated score was calculated to assess if this variant is too frequent to cause the disease. Based on the score and internal cut-off values, a variant classified as likely benign is not then subjected to further curation. The score for this variant resulted in a classification of likely benign for this disease.

Illumina Laboratory Services, Illumina
Classification: Benign for Myopathy, myofibrillar, 9, with early respiratory failure. Last evaluated: 2018-01-13. Review status: criteria provided, single submitter. Criteria: ICSL Variant Classification Criteria 13 December 2019. Collection method: clinical testing. Allele origin: germline.
Comment: This variant was observed in the ICSL laboratory as part of a predisposition screen in an ostensibly healthy population. It had not been previously curated by ICSL or reported in the Human Gene Mutation Database (HGMD: prior to June 1st, 2018), and was therefore a candidate for classification through an automated scoring system. Utilizing variant allele frequency, disease prevalence and penetrance estimates, and inheritance mode, an automated score was calculated to assess if this variant is too frequent to cause the disease. Based on the score and internal cut-off values, a variant classified as benign is not then subjected to further curation. The score for this variant resulted in a classification of benign for this disease.

Illumina Laboratory Services, Illumina
Classification: Likely benign for Early-onset myopathy with fatal cardiomyopathy. Last evaluated: 2018-01-13. Review status: criteria provided, single submitter. Criteria: ICSL Variant Classification Criteria 13 December 2019. Collection method: clinical testing. Allele origin: germline.
Comment: the same text as in the submission from Illumina Laboratory Services, Illumina above.

Illumina Laboratory Services, Illumina
Classification: Likely benign for Autosomal recessive limb-girdle muscular dystrophy type 2J. Last evaluated: 2018-01-13. Review status: criteria provided, single submitter. Criteria: ICSL Variant Classification Criteria 13 December 2019. Collection method: clinical testing. Allele origin: germline.
Comment: the same text as in the submission from Illumina Laboratory Services, Illumina above.

Illumina Laboratory Services, Illumina
Classification: Benign for Tibial muscular dystrophy. Last evaluated: 2018-01-13. Review status: criteria provided, single submitter. Criteria: ICSL Variant Classification Criteria 13 December 2019. Collection method: clinical testing. Allele origin: germline.
Comment: the same text as in the submission from Illumina Laboratory Services, Illumina above.

GeneDx
Classification: Likely benign. Last evaluated: 2017-08-03. Review status: criteria provided, single submitter. Criteria: GeneDx Variant Classification (06012015). Collection method: clinical testing. Allele origin: germline. Affected: yes.
Comment: This variant is considered likely benign or benign based on one or more of the following criteria: it is a conservative change, it occurs at a poorly conserved position in the protein, it is predicted to be benign by multiple in silico algorithms, and/or has population frequency not consistent with disease.

Laboratory for Molecular Medicine, Mass General Brigham Personalized Medicine
Classification: Likely benign. Last evaluated: 2012-05-10. Review status: criteria provided, single submitter. Criteria: LMM Criteria. Collection method: clinical testing. Allele origin: germline. Observed: 1 variant allele.
Comment: 30634+14G>A in intron 144 of the TTN gene: This variant is not expected to have clinical significance because it is not located within the in the splice consens us sequence. 30634+14G>A in Intron 144 of the TTN gene (allele frequency = n/a )

PreventionGenetics, part of Exact Sciences
Classification: Likely benign. Review status: criteria provided, single submitter. Criteria: ACMG Guidelines, 2015. Collection method: clinical testing. Allele origin: germline.

Clinical Genetics DNA and cytogenetics Diagnostics Lab, Erasmus MC, Erasmus Medical Center
Classification: Benign. Review status: no assertion criteria provided. Collection method: clinical testing. Allele origin: germline. Affected: yes. Study: VKGL Data-share Consensus. Not counted in ClinVar's aggregate classification.

Clinical Genetics, Academic Medical Center
Classification: Benign. Review status: no assertion criteria provided. Collection method: clinical testing. Allele origin: germline. Affected: yes. Study: VKGL Data-share Consensus. Not counted in ClinVar's aggregate classification.

Laboratory of Diagnostic Genome Analysis, Leiden University Medical Center (LUMC)
Classification: Likely benign. Review status: no assertion criteria provided. Collection method: clinical testing. Allele origin: germline. Affected: yes. Study: VKGL Data-share Consensus. Not counted in ClinVar's aggregate classification.

NM_001267550.2(TTN):c.34453+14G>A

Gene: TTN (titin; minus strand). Cytogenetic location: 2q31.2.
Variant type: single nucleotide variant.
Coding change: c.34453+14G>A on transcript NM_001267550.2 (MANE Select); 14 bases into the intron after coding-DNA position 34453, G replaced by A.
Molecular consequence: intron variant.
Genome position (GRCh38, 1-based): chr2:178,675,907, C>T on the plus strand (G>A on the coding strand, the complement: TTN is on the minus strand). VCF-style: chr2-178675907-C-T. GRCh37 (hg19) VCF-style: chr2-179540634-C-T.
Other names: c.13283-33590G>A (NM_003319.4); c.13859-33590G>A (NM_133437.4); c.13658-33590G>A (NM_133432.3); c.30634+14G>A (NM_133378.4); c.33415+14G>A (NM_001256850.1).
Identifiers: ClinVar variation 46903 (VCV000046903.25), dbSNP rs397517550, ClinGen allele CA139473.